The following is an entry in ClinVar:

ClinVar aggregate classification (germline): Uncertain significance (1 of 4 stars; one submission).

Conditions:
Inborn genetic diseases. Identifiers: MedGen C0950123, MeSH D030342.

Submission:

Ambry Genetics
Classification: Uncertain significance for Inborn genetic diseases. Last evaluated: 2026-03-11. Review status: criteria provided, single submitter. Criteria: Ambry Variant Classification Scheme 2023. Collection method: clinical testing. Allele origin: germline.
Comment: The p.N616H variant (also known as c.1846A>C), located in coding exon 14 of the SLC12A6 gene, results from an A to C substitution at nucleotide position 1846. The asparagine at codon 616 is replaced by histidine, an amino acid with similar properties. This amino acid position is conserved. In addition, the in silico prediction for this alteration is inconclusive. Based on the available evidence, the clinical significance of this variant remains unclear.

NM_001365088.1(SLC12A6):c.1846A>C (p.Asn616His)

Gene: SLC12A6 (solute carrier family 12 member 6; minus strand). Cytogenetic location: 15q14.
Variant type: single nucleotide variant.
Coding change: c.1846A>C on transcript NM_001365088.1 (MANE Select); coding-DNA position 1846, A replaced by C.
Protein change: p.Asn616His; replaces asparagine 616 with histidine.
Molecular consequence: missense variant.
Genome position (GRCh38, 1-based): chr15:34,245,382, T>G on the plus strand (A>C on the coding strand, the complement: SLC12A6 is on the minus strand). VCF-style: chr15-34245382-T-G. GRCh37 (hg19) VCF-style: chr15-34537583-T-G.
Other names: c.1669A>C, p.Asn557His (NM_001042494.2, NM_001042495.2); c.1819A>C, p.Asn607His (NM_001042496.2); c.1801A>C, p.Asn601His (NM_001042497.2); c.1693A>C, p.Asn565His (NM_005135.2); c.1846A>C, p.Asn616His (NM_133647.2); short protein forms N607H, N565H, N616H, N557H, N601H.
Identifiers: ClinVar variation 4825889 (VCV004825889.1).